The following is an entry in ClinVar:

NM_130810.4(DNAAF4):c.1177C>T (p.Leu393Phe)

Genes: DNAAF4 (dynein axonemal assembly factor 4; minus strand), DNAAF4-CCPG1 (DNAAF4-CCPG1 readthrough (NMD candidate); minus strand). Cytogenetic location: 15q21.3.
Variant type: single nucleotide variant.
Coding change: c.1177C>T on transcript NM_130810.4 (MANE Select); coding-DNA position 1177, C replaced by T.
Protein change: p.Leu393Phe; replaces leucine 393 with phenylalanine.
Molecular consequence: missense variant. On other transcripts: synonymous variant (1), intron variant (1).
Genome position (GRCh38, 1-based): chr15:55,430,756, G>A on the plus strand (C>T on the coding strand, the complement: DNAAF4 is on the minus strand). VCF-style: chr15-55430756-G-A. GRCh37 (hg19) VCF-style: chr15-55722954-G-A.
Other names: c.1071C>T, p.His357= (NM_001033559.3); c.1047+4149C>T (NM_001033560.2); short protein forms L393F.
Identifiers: ClinVar variation 960625 (VCV000960625.9), dbSNP rs2057479362, ClinGen allele CA392546804.

ClinVar aggregate classification (germline): Uncertain significance (1 of 4 stars; one submission).

Submission:

Labcorp Genetics (formerly Invitae), Labcorp
Classification: Uncertain significance. Last evaluated: 2023-07-17. Review status: criteria provided, single submitter. Criteria: Invitae Variant Classification Sherloc (09022015). Collection method: clinical testing. Allele origin: germline.
Comment: In summary, the available evidence is currently insufficient to determine the role of this variant in disease. Therefore, it has been classified as a Variant of Uncertain Significance. Advanced modeling of protein sequence and biophysical properties (such as structural, functional, and spatial information, amino acid conservation, physicochemical variation, residue mobility, and thermodynamic stability) performed at Invitae indicates that this missense variant is expected to disrupt DNAAF4 protein function. ClinVar contains an entry for this variant (Variation ID: 960625). This variant has not been reported in the literature in individuals affected with DNAAF4-related conditions. This variant is not present in population databases (gnomAD no frequency). This sequence change replaces leucine, which is neutral and non-polar, with phenylalanine, which is neutral and non-polar, at codon 393 of the DNAAF4 protein (p.Leu393Phe).